The following is an entry in ClinVar:

ClinVar aggregate classification (germline): Uncertain significance (0 of 4 stars; one submission).

Conditions:
Charcot-Marie-Tooth disease. Also called: Charcot-Marie-Tooth Hereditary Neuropathy; Charcot-Marie-Tooth Neuropathy. Identifiers: Orphanet 166, MedGen C0007959, MONDO:0015626.

Submission:

Dept. of Medical Genetics, Telemark Hospital Trust, Telemark Hospital Trust
Classification: Uncertain significance for Charcot-Marie-Tooth disease. Last evaluated: 2014-10-01. Review status: no assertion criteria provided. Criteria: research. Collection method: research. Allele origin: unknown. Affected: yes. Study: Charcot-Marie-Tooth disease study.
Comment: Populational based study of Charcot-Marie-Tooth disease in Norway

Literature cited by the submitters: PubMed 25648254; PMC 4306395.

Single allele

Gene: CNTNAP2 (contactin associated protein 2; plus strand). Cytogenetic location: 7q35.
Variant type: Duplication.
Identifiers: ClinVar variation 190033 (VCV000190033.2).